The following is an entry in ClinVar:

NM_000492.4(CFTR):c.3539_3554del (p.Lys1180fs)

Genes: CFTR-AS2 (CFTR antisense RNA 2; minus strand), CFTR (CF transmembrane conductance regulator; plus strand). Cytogenetic location: 7q31.2.
Variant type: Deletion.
Coding change: c.3539_3554del on transcript NM_000492.4 (MANE Select); coding-DNA positions 3539 to 3554, 16 bases deleted (AACCATACAAGAATGG).
Protein change: p.Lys1180fs; shifts the reading frame from lysine 1180.
Molecular consequence: frameshift variant.
Genome position (GRCh38, 1-based): chr7:117,627,592-117,627,607, AACCATACAAGAATGG deleted. VCF-style (leftmost placement, unchanged base first): chr7-117627591-AAACCATACAAGAATGG-A. GRCh37 (hg19) VCF-style: chr7-117267645-AAACCATACAAGAATGG-A.
Other names: c.3539_3554del16, p.Lys1180Thrfs (NM_000492.3); short protein forms K1180fs.
Identifiers: ClinVar variation 1732426 (VCV001732426.2), dbSNP rs2485146231, ClinGen allele CA2580076335.

ClinVar aggregate classification (germline): Pathogenic (1 of 4 stars; one submission).

Conditions:
Cystic fibrosis (CF). Also called: MUCOVISCIDOSIS. Identifiers: Orphanet 586, MedGen C0010674, MONDO:0009061, OMIM 219700. Disease mechanism: loss of function.

Submission:

Ambry Genetics
Classification: Pathogenic for Cystic fibrosis. Last evaluated: 2015-11-23. Review status: criteria provided, single submitter. Criteria: Ambry Variant Classification Scheme 2023. Collection method: clinical testing. Allele origin: germline.
Comment: The c.3539_3554del variant, located in coding exon 22 of the CFTR gene, results from a deletion of 16 nucleotides between nucleotide positions 3539 and 3554, causing a translational frameshift with a predicted alternate stop codon. Since frameshifts are typically deleterious in nature, this alteration is interpreted as a disease-causing mutation (ACMG Recommendations for Standards for Interpretation and Reporting of Sequence Variations. Revision 2007. Genet Med. 2008;10:294).